The following is an entry in ClinVar:

NM_003901.4(SGPL1):c.1079G>T (p.Gly360Val)

Gene: SGPL1 (sphingosine-1-phosphate lyase 1; plus strand). Cytogenetic location: 10q22.1.
Variant type: single nucleotide variant.
Coding change: c.1079G>T on transcript NM_003901.4 (MANE Select); coding-DNA position 1079, G replaced by T.
Protein change: p.Gly360Val; replaces glycine 360 with valine.
Molecular consequence: missense variant.
Genome position (GRCh38, 1-based): chr10:70,873,370, G>T. VCF-style: chr10-70873370-G-T. GRCh37 (hg19) VCF-style: chr10-72633127-G-T.
Other names: short protein forms G360V.
Identifiers: ClinVar variation 2152082 (VCV002152082.1), dbSNP rs985654475, ClinGen allele CA209395850.

ClinVar aggregate classification (germline): Uncertain significance (1 of 4 stars; one submission).

Allele frequency attached by ClinVar (database versions not stated): TOPMed 0.00001.
gnomAD v4.1: 6 of 1,614,024 alleles (0.00037%); highest among the groups gnomAD compares: Non-Finnish European, 0.00051%; no homozygotes.

Submission:

Labcorp Genetics (formerly Invitae), Labcorp
Classification: Uncertain significance. Last evaluated: 2022-03-28. Review status: criteria provided, single submitter. Criteria: Invitae Variant Classification Sherloc (09022015). Collection method: clinical testing. Allele origin: germline.
Comment: This sequence change replaces glycine, which is neutral and non-polar, with valine, which is neutral and non-polar, at codon 360 of the SGPL1 protein (p.Gly360Val). This variant is present in population databases (no rsID available, gnomAD 0.0009%). This missense change has been observed in individuals with SGPL1-related nephrotic syndrome (PMID: 29959533, 32233035). Algorithms developed to predict the effect of missense changes on protein structure and function (SIFT, PolyPhen-2, Align-GVGD) all suggest that this variant is likely to be disruptive. In summary, the available evidence is currently insufficient to determine the role of this variant in disease. Therefore, it has been classified as a Variant of Uncertain Significance.

Literature cited by the submitters: PubMed 29959533; PubMed 32233035.